The following is an entry in ClinVar:

NM_004360.5(CDH1):c.2564_2570del (p.Lys855fs)

Gene: CDH1 (cadherin 1; plus strand). Cytogenetic location: 16q22.1.
Variant type: Deletion.
Coding change: c.2564_2570del on transcript NM_004360.5 (MANE Select); coding-DNA positions 2564 to 2570, 7 bases deleted (AAGACCA; older notation c.2564_2570delAAGACCA).
Protein change: p.Lys855fs; shifts the reading frame from lysine 855.
Molecular consequence: frameshift variant.
Genome position (GRCh38, 1-based): chr16:68,833,414-68,833,420, AAGACCA deleted; deleting any 7 consecutive bases within chr16:68,833,412-68,833,420 gives the same sequence; the c. name uses the placement nearest the transcript's 3' end. VCF-style (leftmost placement, unchanged base first): chr16-68833411-ACAAAGAC-A. GRCh37 (hg19) VCF-style: chr16-68867314-ACAAAGAC-A.
Other names: c.2381_2387del, p.Lys794fs (NM_001317184.2); c.1016_1022del, p.Lys339fs (NM_001317185.2); c.599_605del, p.Lys200fs (NM_001317186.2); short protein forms K200fs, K339fs, K855fs, K794fs.
Identifiers: ClinVar variation 5034007 (VCV005034007.1).

ClinVar aggregate classification (germline): Uncertain significance (1 of 4 stars; one submission).

Conditions:
Hereditary cancer-predisposing syndrome. Also called: Neoplastic Syndromes, Hereditary; Tumor predisposition; Hereditary neoplastic syndrome; Hereditary Cancer Syndrome. Identifiers: Orphanet 140162, MedGen C0027672, MeSH D009386, MONDO:0015356.

Submission:

Ambry Genetics
Classification: Uncertain significance for Hereditary cancer-predisposing syndrome. Last evaluated: 2026-08-10. Review status: criteria provided, single submitter. Criteria: Ambry Variant Classification Scheme 2023. Collection method: clinical testing. Allele origin: germline.
Comment: The c.2564_2570delAAGACCA variant, located in coding exon 16 of the CDH1 gene, results from a deletion of 7 nucleotides at nucleotide positions 2564 to 2570, causing a translational frameshift with a predicted alternate stop codon (p.K855Rfs*6). This variant occurs at the 3' terminus of the gene, is not expected to trigger nonsense-mediated mRNAdecay, and impacts the last 3.2% of the protein. The exact functional effect of this variant is unknown. Based on the available evidence, the clinical significance of this variant remains unclear.